The following is an entry in ClinVar:

NM_006005.3(WFS1):c.2017_2018del (p.Cys673fs)

Gene: WFS1 (wolframin ER transmembrane glycoprotein; plus strand). Cytogenetic location: 4p16.1.
Variant type: Microsatellite.
Coding change: c.2017_2018del on transcript NM_006005.3 (MANE Select); coding-DNA positions 2017 to 2018, 2 bases deleted (TG; older notation c.2017_2018delTG).
Protein change: p.Cys673fs; shifts the reading frame from cysteine 673.
Molecular consequence: frameshift variant.
Genome position (GRCh38, 1-based): chr4:6,301,812-6,301,813, TG deleted; deleting any 2 consecutive bases within chr4:6,301,810-6,301,813 gives the same sequence; the c. name uses the placement nearest the transcript's 3' end. VCF-style (leftmost placement, unchanged base first): chr4-6301809-CTG-C. GRCh37 (hg19) VCF-style: chr4-6303536-CTG-C.
Other names: c.2017_2018del, p.Cys673fs (NM_001145853.1); short protein forms C673fs.
Identifiers: ClinVar variation 3777056 (VCV003777056.1).

ClinVar aggregate classification (germline): Likely pathogenic (1 of 4 stars; one submission).

Conditions:
Wolfram-like syndrome. Also called: HEARING LOSS, PROGRESSIVE, WITH OPTIC ATROPHY AND/OR IMPAIRED GLUCOSE REGULATION. Identifiers: Orphanet 411590, MedGen C3280358, MONDO:0013673, OMIM 614296.

Submission:

Pediatrics, Sichuan Provincial Hospital For Women And Children
Classification: Likely pathogenic for Wolfram-like syndrome. Review status: criteria provided, single submitter. Criteria: ACMG Guidelines, 2015. Collection method: clinical testing. Allele origin: de novo. Affected: yes. Observed: 1 heterozygote.
Comment: According to the ACMG guidelines, this variant has been preliminarily classified as a "Likely Pathogenic" variant (PVS1 + PM2_Supporting): PVS1: This variant is a loss-of-function variant (frameshift mutation) that may lead to gene function loss. PM2_Supporting: The variant's frequency in population databases is not reported; No relevant reports about this locus were found in literature databases; ClinVar database contains no pathogenicity analysis results for this locus.